The following is an entry in ClinVar:

ClinVar aggregate classification (germline): Likely benign. Review status: criteria provided, multiple submitters, no conflicts (2 of 4 stars). 2 submissions from 2 submitters: Likely benign (2). Last evaluated 2025-10-18.

Allele frequency attached by ClinVar (database versions not stated): gnomAD 0.00001 and 0.00003; ExAC 0.00003; TOPMed 0.00005; gnomAD exomes 0.00006 and 0.00011; ESP Exome Variant Server 0.00008.

Submissions (2):

Labcorp Genetics (formerly Invitae), Labcorp
Classification: Likely benign. Last evaluated: 2025-10-18. Review status: criteria provided, single submitter. Criteria: Invitae Variant Classification Sherloc (09022015). Collection method: clinical testing. Allele origin: germline.

CeGaT Center for Human Genetics Tuebingen
Classification: Likely benign. Last evaluated: 2023-01-01. Review status: criteria provided, single submitter. Criteria: CeGaT Center For Human Genetics Tuebingen Variant Classification Criteria Version 2. Collection method: clinical testing. Allele origin: germline. Affected: yes. Observed: 1 variant allele.
Comment: DSG1: BP4, BP7

NM_001942.4(DSG1):c.2523C>T (p.Tyr841=)

Genes: DSG1 (desmoglein 1; plus strand), DSG1-AS1 (DSG1 antisense RNA 1; minus strand), LOC126862720 (MED14-independent group 3 enhancer GRCh37_chr18:28933613-28934812; plus strand). Cytogenetic location: 18q12.1.
Variant type: single nucleotide variant.
Coding change: c.2523C>T on transcript NM_001942.4 (MANE Select); coding-DNA position 2523, C replaced by T.
Protein change: p.Tyr841=; no amino-acid change (tyrosine 841 retained).
Molecular consequence: synonymous variant.
Genome position (GRCh38, 1-based): chr18:31,354,719, C>T. VCF-style: chr18-31354719-C-T. GRCh37 (hg19) VCF-style: chr18-28934682-C-T.
Identifiers: ClinVar variation 1665623 (VCV001665623.32), dbSNP rs372453187, ClinGen allele CA8926380.